The following is an entry in ClinVar:

NM_002691.4(POLD1):c.233G>T (p.Arg78Leu)

Gene: POLD1 (DNA polymerase delta 1, catalytic subunit; plus strand). Cytogenetic location: 19q13.33.
Variant type: single nucleotide variant.
Coding change: c.233G>T on transcript NM_002691.4 (MANE Select); coding-DNA position 233, G replaced by T.
Protein change: p.Arg78Leu; replaces arginine 78 with leucine.
Molecular consequence: missense variant. On other transcripts: non-coding transcript variant (1).
Genome position (GRCh38, 1-based): chr19:50,399,401, G>T. VCF-style: chr19-50399401-G-T. GRCh37 (hg19) VCF-style: chr19-50902658-G-T.
Other names: c.233G>T, p.Arg78Leu (NM_001256849.1, NM_001308632.1); short protein forms R78L.
Identifiers: ClinVar variation 639609 (VCV000639609.11), dbSNP rs750825686, ClinGen allele CA9595658.

ClinVar aggregate classification (germline): Uncertain significance. Review status: criteria provided, multiple submitters, no conflicts (2 of 4 stars). 2 submissions from 2 submitters: Uncertain significance (2). Last evaluated 2024-07-21.

Conditions:
Hereditary cancer-predisposing syndrome. Also called: Hereditary neoplastic syndrome; Tumor predisposition; Hereditary Cancer Syndrome; Neoplastic Syndromes, Hereditary. Identifiers: Orphanet 140162, MedGen C0027672, MeSH D009386, MONDO:0015356.
POLD1-related polyposis and colorectal cancer syndrome (CRCS10). Also called: Colorectal cancer, susceptibility to, 10; Colorectal cancer 10; COLORECTAL CANCER, SUSCEPTIBILITY TO, ON CHROMOSOME 19q. Identifiers: Orphanet 220460, MedGen C2675481, MONDO:0012953, OMIM 612591.

Allele frequency attached by ClinVar (database versions not stated): TOPMed 0.00001.
gnomAD v4.1: 9 of 1,614,058 alleles (0.00056%); highest among the groups gnomAD compares: East Asian, 0.0022%; no homozygotes.

Submissions (2):

Labcorp Genetics (formerly Invitae), Labcorp
Classification: Uncertain significance for POLD1-related polyposis and colorectal cancer syndrome. Last evaluated: 2024-07-21. Review status: criteria provided, single submitter. Criteria: Invitae Variant Classification Sherloc (09022015). Collection method: clinical testing. Allele origin: germline.
Comment: This sequence change replaces arginine, which is basic and polar, with leucine, which is neutral and non-polar, at codon 78 of the POLD1 protein (p.Arg78Leu). This variant is present in population databases (rs750825686, gnomAD 0.006%). This variant has not been reported in the literature in individuals affected with POLD1-related conditions. ClinVar contains an entry for this variant (Variation ID: 639609). Advanced modeling of protein sequence and biophysical properties (such as structural, functional, and spatial information, amino acid conservation, physicochemical variation, residue mobility, and thermodynamic stability) performed at Invitae indicates that this missense variant is not expected to disrupt POLD1 protein function with a negative predictive value of 80%. In summary, the available evidence is currently insufficient to determine the role of this variant in disease. Therefore, it has been classified as a Variant of Uncertain Significance.

Ambry Genetics
Classification: Uncertain significance for Hereditary cancer-predisposing syndrome. Last evaluated: 2024-03-13. Review status: criteria provided, single submitter. Criteria: Ambry Variant Classification Scheme 2023. Collection method: clinical testing. Allele origin: germline.
Comment: The p.R78L variant (also known as c.233G>T), located in coding exon 2 of the POLD1 gene, results from a G to T substitution at nucleotide position 233. The arginine at codon 78 is replaced by leucine, an amino acid with dissimilar properties. This amino acid position is conserved. In addition, this alteration is predicted to be tolerated by in silico analysis. Since supporting evidence is limited at this time, the clinical significance of this alteration remains unclear.